The following is an entry in ClinVar:

ClinVar aggregate classification (germline): Uncertain significance (1 of 4 stars; one submission).

Allele frequency attached by ClinVar (database versions not stated): ExAC 0.00001; TOPMed 0.00001; gnomAD exomes 0.00002.
gnomAD v4.1: 13 of 1,612,724 alleles (0.00081%); highest among the groups gnomAD compares: Admixed American, 0.005%; no homozygotes.

Submission:

Genetic Services Laboratory, University of Chicago
Classification: Uncertain significance. Last evaluated: 2021-06-29. Review status: criteria provided, single submitter. Criteria: ACMG Guidelines, 2015. Collection method: clinical testing. Allele origin: germline. Affected: no.
Comment: DNA sequence analysis of the SAMD9L gene demonstrated a sequence change, c.1765C>T, which results in the creation of a premature stop codon at amino acid residue 589*, p.Arg589*. This sequence change is predicted to result in a truncated SAMD9L protein and is not predicted to undergo nonsense-mediated-decay as this is a single coding exon gene. This sequence change has been described in the gnomAD database with a frequency of 0.0087% in the Latino/Admixed American subpopulation (dpSNP rs rs763831653). The sequence change has not been reported in individuals with SAMD9L-related disorders. Previously reported disease-causing variants in SAMD9L are missense variants that are predicted to result in a gain-of-function mechanism of disease. Due to insufficient evidences and the lack of functional studies, the clinical significance of this sequence change remains unknown.

NM_152703.5(SAMD9L):c.1765C>T (p.Arg589Ter)

Gene: SAMD9L (sterile alpha motif domain containing 9 like; minus strand). Cytogenetic location: 7q21.2.
Variant type: single nucleotide variant.
Coding change: c.1765C>T on transcript NM_152703.5 (MANE Select); coding-DNA position 1765, C replaced by T.
Protein change: p.Arg589Ter; replaces arginine 589 with a stop codon.
Molecular consequence: nonsense.
Genome position (GRCh38, 1-based): chr7:93,134,207, G>A on the plus strand (C>T on the coding strand, the complement: SAMD9L is on the minus strand). VCF-style: chr7-93134207-G-A. GRCh37 (hg19) VCF-style: chr7-92763520-G-A.
Other names: c.1765C>T, p.Arg589Ter (NM_001303496.3, NM_001303497.3, NM_001303498.3 and 5 more transcripts); short protein forms R589*.
Identifiers: ClinVar variation 1338645 (VCV001338645.4), dbSNP rs763831653, ClinGen allele CA4343684.